The following is an entry in ClinVar:

Conditions:
Breast-ovarian cancer, familial, susceptibility to, 1 (BROVCA1). Also called: BRCA1 Hereditary Breast and Ovarian Cancer; OVARIAN CANCER, SUSCEPTIBILITY TO. Identifiers: Orphanet 145, MedGen C2676676, MONDO:0011450, OMIM 604370. Disease mechanism: loss of function.

Submission:

Brotman Baty Institute, University of Washington
No classification provided (evidence only). Condition: Breast-ovarian cancer, familial 1. Review status: no classification provided. Collection method: in vitro. Allele origin: not applicable. Functional consequence: functionally_abnormal.
ClinVar note: "not provided" was previously submitted as the classification for the variant. However, the classification appeared to be based only on an observation of functional data so it was converted to no classification on 2025-07-30.

NM_007294.4(BRCA1):c.248T>A (p.Val83Asp)

Gene: BRCA1 (BRCA1 DNA repair associated; minus strand). Cytogenetic location: 17q21.31.
Variant type: single nucleotide variant.
Coding change: c.248T>A on transcript NM_007294.4 (MANE Select); coding-DNA position 248, T replaced by A.
Protein change: p.Val83Asp; replaces valine 83 with aspartic acid.
Molecular consequence: missense variant. On other transcripts: non-coding transcript variant (1).
Genome position (GRCh38, 1-based): chr17:43,104,921, A>T on the plus strand (T>A on the coding strand, the complement: BRCA1 is on the minus strand). VCF-style: chr17-43104921-A-T. GRCh37 (hg19) VCF-style: chr17-41256938-A-T.
Other names: c.248T>A, p.Val83Asp (NM_001407919.1, NM_001407937.1, NM_001407938.1 and 168 more transcripts); c.107T>A, p.Val36Asp (NM_001407920.1, NM_001407921.1, NM_001407922.1 and 99 more transcripts); c.38T>A, p.Val13Asp (NM_001407946.1, NM_001407947.1, NM_001407948.1 and 58 more transcripts); c.-134T>A (NM_001407959.1, NM_001407960.1, NM_001407962.1 and 4 more transcripts); c.170T>A, p.Val57Asp (NM_001408409.1, NM_001408411.1, NM_001408412.1 and 21 more transcripts); c.116T>A, p.Val39Asp (NM_001408451.1); short protein forms V83D, V36D, V39D, V57D, V13D.
Identifiers: ClinVar variation 865323 (VCV000865323.3), dbSNP rs2054686948, ClinGen allele CA10601660.